The following is an entry in ClinVar:

NM_001447.3(FAT2):c.3748C>T (p.Arg1250Cys)

Genes: FAT2 (FAT atypical cadherin 2; minus strand), SLC36A1 (solute carrier family 36 member 1; plus strand). Cytogenetic location: 5q33.1.
Variant type: single nucleotide variant.
Coding change: c.3748C>T on transcript NM_001447.3 (MANE Select); coding-DNA position 3748, C replaced by T.
Protein change: p.Arg1250Cys; replaces arginine 1250 with cysteine.
Molecular consequence: missense variant.
Genome position (GRCh38, 1-based): chr5:151,554,559, G>A on the plus strand (C>T on the coding strand, the complement: FAT2 is on the minus strand). VCF-style: chr5-151554559-G-A. GRCh37 (hg19) VCF-style: chr5-150934120-G-A.
Other names: short protein forms R1250C.
Identifiers: ClinVar variation 1928597 (VCV001928597.5), dbSNP rs764045107, ClinGen allele CA3521734.

ClinVar aggregate classification (germline): Uncertain significance (1 of 4 stars; one submission).

Allele frequency attached by ClinVar (database versions not stated): gnomAD exomes 0.00001; TOPMed 0.00001; ExAC 0.00002.
gnomAD v4.1: 11 of 1,614,174 alleles (0.00068%); highest among the groups gnomAD compares: South Asian, 0.0022%; no homozygotes.

Submission:

Labcorp Genetics (formerly Invitae), Labcorp
Classification: Uncertain significance. Last evaluated: 2022-08-20. Review status: criteria provided, single submitter. Criteria: Invitae Variant Classification Sherloc (09022015). Collection method: clinical testing. Allele origin: germline.
Comment: This sequence change replaces arginine, which is basic and polar, with cysteine, which is neutral and slightly polar, at codon 1250 of the FAT2 protein (p.Arg1250Cys). This variant is present in population databases (rs764045107, gnomAD 0.003%). This variant has not been reported in the literature in individuals affected with FAT2-related conditions. Algorithms developed to predict the effect of missense changes on protein structure and function (SIFT, PolyPhen-2, Align-GVGD) all suggest that this variant is likely to be disruptive. Algorithms developed to predict the effect of sequence changes on RNA splicing suggest that this variant may create or strengthen a splice site. In summary, the available evidence is currently insufficient to determine the role of this variant in disease. Therefore, it has been classified as a Variant of Uncertain Significance.